The following is an entry in ClinVar:

NM_006073.4(TRDN):c.425-155T>A

Gene: TRDN (triadin; minus strand). Cytogenetic location: 6q22.31.
Variant type: single nucleotide variant.
Coding change: c.425-155T>A on transcript NM_006073.4 (MANE Select); 155 bases into the intron before coding-DNA position 425, T replaced by A.
Molecular consequence: intron variant.
Genome position (GRCh38, 1-based): chr6:123,530,720, A>T on the plus strand (T>A on the coding strand, the complement: TRDN is on the minus strand). VCF-style: chr6-123530720-A-T. GRCh37 (hg19) VCF-style: chr6-123851865-A-T.
Other names: c.425-155T>A (NM_001251987.2, NM_001256020.2, NM_001256021.2 and 1 more transcripts).
Identifiers: ClinVar variation 674796 (VCV000674796.1), dbSNP rs4897276, ClinGen allele CA147293497.

ClinVar aggregate classification (germline): Benign (1 of 4 stars; one submission).

Allele frequency attached by ClinVar (database versions not stated): 1000 Genomes Project 0.49740; 1000 Genomes Project 30x 0.50265; TOPMed 0.56279; gnomAD 0.56612 and 0.56939.
gnomAD v4.1: 86,007 of 151,596 alleles (57%); highest among the groups gnomAD compares: Non-Finnish European, 65%; 25,258 homozygotes.

Submission:

GeneDx
Classification: Benign. Last evaluated: 2018-06-14. Review status: criteria provided, single submitter. Criteria: GeneDx Variant Classification (06012015). Collection method: clinical testing. Allele origin: germline. Affected: yes.
Comment: This variant is considered likely benign or benign based on one or more of the following criteria: it is a conservative change, it occurs at a poorly conserved position in the protein, it is predicted to be benign by multiple in silico algorithms, and/or has population frequency not consistent with disease.